The following is an entry in ClinVar:

ClinVar aggregate classification (germline): Benign/Likely benign. Review status: criteria provided, multiple submitters, no conflicts (2 of 4 stars). 5 submissions from 5 submitters: Benign (1); Likely benign (4). Last evaluated 2026-02-01.

Conditions:
Junctional epidermolysis bullosa, non-Herlitz type. Also called: Adult junctional epidermolysis bullosa; COL17A1-Related Junctional Epidermolysis Bullosa; Epidermolysis bullosa, junctional, non-herlitz type, somatic mosaic revertant; EPIDERMOLYSIS BULLOSA, JUNCTIONAL 1A, INTERMEDIATE; EPIDERMOLYSIS BULLOSA JUNCTIONALIS, DISENTIS TYPE; EPIDERMOLYSIS BULLOSA JUNCTIONALIS, NON-HERLITZ TYPE. Identifiers: Orphanet 251393, Orphanet 79402, Orphanet 79405, Orphanet 89840, MedGen C0268374, MONDO:0009180, OMIM 226650.

Allele frequency attached by ClinVar (database versions not stated): 1000 Genomes Project 30x 0.00172; 1000 Genomes Project 0.00180; ESP Exome Variant Server 0.00215; gnomAD 0.00268 and 0.00275; TOPMed 0.00336.
gnomAD v4.1: 4,440 of 1,614,078 alleles (0.28%); highest among the groups gnomAD compares: Admixed American, 0.52%; 12 homozygotes.

Submissions (5):

Labcorp Genetics (formerly Invitae), Labcorp
Classification: Benign. Last evaluated: 2026-02-01. Review status: criteria provided, single submitter. Criteria: Invitae Variant Classification Sherloc (09022015). Collection method: clinical testing. Allele origin: germline.

CeGaT Center for Human Genetics Tuebingen
Classification: Likely benign. Last evaluated: 2025-01-01. Review status: criteria provided, single submitter. Criteria: CeGaT Center For Human Genetics Tuebingen Variant Classification Criteria Version 2. Collection method: clinical testing. Allele origin: germline. Affected: yes. Observed: 1 variant allele.
Comment: COL17A1: BP4, BP7

Blueprint Genetics
Classification: Likely benign. Last evaluated: 2024-11-25. Review status: criteria provided, single submitter. Criteria: ACMG Guidelines, 2015. Collection method: clinical testing. Allele origin: germline.

Illumina Laboratory Services, Illumina
Classification: Likely benign for Junctional epidermolysis bullosa, non-Herlitz type. Last evaluated: 2018-01-12. Review status: criteria provided, single submitter. Criteria: ICSL Variant Classification Criteria 13 December 2019. Collection method: clinical testing. Allele origin: germline.
Comment: This variant was observed in the ICSL laboratory as part of a predisposition screen in an ostensibly healthy population. It had not been previously curated by ICSL or reported in the Human Gene Mutation Database (HGMD: prior to June 1st, 2018), and was therefore a candidate for classification through an automated scoring system. Utilizing variant allele frequency, disease prevalence and penetrance estimates, and inheritance mode, an automated score was calculated to assess if this variant is too frequent to cause the disease. Based on the score and internal cut-off values, a variant classified as likely benign is not then subjected to further curation. The score for this variant resulted in a classification of likely benign for this disease.

Breakthrough Genomics
Classification: Likely benign. Review status: criteria provided, single submitter. Criteria: ACMG Guidelines, 2015. Collection method: not provided. Allele origin: germline. Inheritance: Autosomal recessive inheritance. Affected: yes.

NM_000494.4(COL17A1):c.672C>T (p.Thr224=)

Gene: COL17A1 (collagen type XVII alpha 1 chain; minus strand). Cytogenetic location: 10q25.1.
Variant type: single nucleotide variant.
Coding change: c.672C>T on transcript NM_000494.4 (MANE Select); coding-DNA position 672, C replaced by T.
Protein change: p.Thr224=; no amino-acid change (threonine 224 retained).
Molecular consequence: synonymous variant.
Genome position (GRCh38, 1-based): chr10:104,064,532, G>A on the plus strand (C>T on the coding strand, the complement: COL17A1 is on the minus strand). VCF-style: chr10-104064532-G-A. GRCh37 (hg19) VCF-style: chr10-105824290-G-A.
Other names: c.672C>T, p.Thr224= (LRG_1249t1).
Identifiers: ClinVar variation 298745 (VCV000298745.29), dbSNP rs137868472, ClinGen allele CA5679338.
Genomic context (GRCh38, chr10:104,064,532, plus strand): 5'-GGATGAGCTCTGGGTTGTCATGTTGTTGTGATAGGTCCCCATGGAGGACCCCGCGGGCAG[G>A]GTGGAGGACCACACATGGGAGGGAAGGTTGGCATCCAGGATCGTTGCATCGTAGGTGCCT-3'
Protein context (NP_000485.3, residues 214-234): ANLPSHVWSS[Thr224=]LPAGSSMGTY